The following is an entry in ClinVar:

ClinVar aggregate classification (germline): Uncertain significance. Review status: criteria provided, multiple submitters, no conflicts (2 of 4 stars). 2 submissions from 2 submitters: Uncertain significance (2). Last evaluated 2021-04-13.

Conditions:
Myofibrillar myopathy 5. Also called: Filaminopathy (type); FILAMINOPATHY, AUTOSOMAL DOMINANT. Identifiers: Orphanet 171445, MedGen C1836050, MONDO:0012289, OMIM 609524.
Hypertrophic cardiomyopathy 26. Also called: Cardiomyopathy, familial hypertrophic, 26. Identifiers: Orphanet 75249, MedGen C4310749, MONDO:0014883, OMIM 617047.
Distal myopathy with posterior leg and anterior hand involvement. Also called: WILLIAMS DISTAL MYOPATHY. Identifiers: Orphanet 63273, MedGen C3279722, MONDO:0013550, OMIM 614065.
Cardiovascular phenotype. Identifiers: MedGen CN230736.

Submissions (2):

Ambry Genetics
Classification: Uncertain significance for Cardiovascular phenotype. Last evaluated: 2021-04-13. Review status: criteria provided, single submitter. Criteria: Ambry Variant Classification Scheme 2023. Collection method: clinical testing. Allele origin: germline.
Comment: The p.V2288L variant (also known as c.6862G>C), located in coding exon 41 of the FLNC gene, results from a G to C substitution at nucleotide position 6862. The valine at codon 2288 is replaced by leucine, an amino acid with highly similar properties. This amino acid position is highly conserved in available vertebrate species. In addition, the in silico prediction for this alteration is inconclusive. Since supporting evidence is limited at this time, the clinical significance of this alteration remains unclear.

Labcorp Genetics (formerly Invitae), Labcorp
Classification: Uncertain significance for Distal myopathy with posterior leg and anterior hand involvement; Myofibrillar myopathy 5; Hypertrophic cardiomyopathy 26. Last evaluated: 2019-09-12. Review status: criteria provided, single submitter. Criteria: Invitae Variant Classification Sherloc (09022015). Collection method: clinical testing. Allele origin: germline.
Comment: In summary, the available evidence is currently insufficient to determine the role of this variant in disease. Therefore, it has been classified as a Variant of Uncertain Significance. Algorithms developed to predict the effect of missense changes on protein structure and function are either unavailable or do not agree on the potential impact of this missense change (SIFT: "Tolerated"; PolyPhen-2: "Probably Damaging"; Align-GVGD: "Class C0"). This variant has not been reported in the literature in individuals with FLNC-related conditions. This variant is not present in population databases (ExAC no frequency). This sequence change replaces valine with leucine at codon 2288 of the FLNC protein (p.Val2288Leu). The valine residue is highly conserved and there is a small physicochemical difference between valine and leucine.

NM_001458.5(FLNC):c.6862G>C (p.Val2288Leu)

Genes: FLNC-AS1 (FLNC antisense RNA 1; minus strand), FLNC (filamin C; plus strand). Cytogenetic location: 7q32.1.
Variant type: single nucleotide variant.
Coding change: c.6862G>C on transcript NM_001458.5 (MANE Select); coding-DNA position 6862, G replaced by C.
Protein change: p.Val2288Leu; replaces valine 2288 with leucine.
Molecular consequence: missense variant.
Genome position (GRCh38, 1-based): chr7:128,854,547, G>C. VCF-style: chr7-128854547-G-C. GRCh37 (hg19) VCF-style: chr7-128494601-G-C.
Other names: c.6763G>C, p.Val2255Leu (NM_001127487.2); short protein forms V2255L, V2288L.
Identifiers: ClinVar variation 938041 (VCV000938041.12), dbSNP rs953084143, ClinGen allele CA369213969.